The following is an entry in ClinVar:

ClinVar aggregate classification (germline): Uncertain significance (1 of 4 stars; one submission).

gnomAD v4.1: 45 of 1,551,274 alleles (0.0029%); highest among the groups gnomAD compares: Admixed American, 0.0059%; no homozygotes.

Submission:

Labcorp Genetics (formerly Invitae), Labcorp
Classification: Uncertain significance. Last evaluated: 2024-12-04. Review status: criteria provided, single submitter. Criteria: Invitae Variant Classification Sherloc (09022015). Collection method: clinical testing. Allele origin: germline.
Comment: This sequence change replaces glutamic acid, which is acidic and polar, with lysine, which is basic and polar, at codon 1100 of the MYO7A protein (p.Glu1100Lys). This variant is not present in population databases (gnomAD no frequency). This variant has not been reported in the literature in individuals affected with MYO7A-related conditions. ClinVar contains an entry for this variant (Variation ID: 2202671). Invitae Evidence Modeling of protein sequence and biophysical properties (such as structural, functional, and spatial information, amino acid conservation, physicochemical variation, residue mobility, and thermodynamic stability) indicates that this missense variant is not expected to disrupt MYO7A protein function with a negative predictive value of 95%. In summary, the available evidence is currently insufficient to determine the role of this variant in disease. Therefore, it has been classified as a Variant of Uncertain Significance.

NM_000260.4(MYO7A):c.3298G>A (p.Glu1100Lys)

Gene: MYO7A (myosin VIIA; plus strand). Cytogenetic location: 11q13.5.
Variant type: single nucleotide variant.
Coding change: c.3298G>A on transcript NM_000260.4 (MANE Select); coding-DNA position 3298, G replaced by A.
Protein change: p.Glu1100Lys; replaces glutamic acid 1100 with lysine.
Molecular consequence: missense variant.
Genome position (GRCh38, 1-based): chr11:77,183,080, G>A. VCF-style: chr11-77183080-G-A. GRCh37 (hg19) VCF-style: chr11-76894125-G-A.
Other names: c.3298G>A, p.Glu1100Lys (NM_001127180.2); c.3265G>A, p.Glu1089Lys (NM_001369365.1); short protein forms E1089K, E1100K.
Identifiers: ClinVar variation 2202671 (VCV002202671.3), dbSNP rs782468194, ClinGen allele CA381945401.